The following is an entry in ClinVar:

ClinVar aggregate classification (germline): Uncertain significance. Review status: criteria provided, multiple submitters, no conflicts (2 of 4 stars). 7 submissions from 7 submitters: Uncertain significance (6). 1 of the submissions does not count toward it. Last evaluated 2026-07-02.

Conditions:
Neurofibromatosis, type 1 (NF1). Also called: VON RECKLINGHAUSEN DISEASE; Neurofibromatosis, type I; Peripheral type neurofibromatosis; NEUROFIBROMATOSIS, TYPE I, SOMATIC. Identifiers: Orphanet 636, MedGen C0027831, MONDO:0018975, OMIM 162200. Disease mechanism: loss of function.
NF1-related disorder. Also called: NF1-related condition. Identifiers: MedGen CN379171.
Hereditary cancer-predisposing syndrome. Also called: Neoplastic Syndromes, Hereditary; Hereditary neoplastic syndrome; Hereditary Cancer Syndrome; Tumor predisposition. Identifiers: Orphanet 140162, MedGen C0027672, MeSH D009386, MONDO:0015356.
Cardiovascular phenotype. Identifiers: MedGen CN230736.
Juvenile myelomonocytic leukemia (JMML). Also called: LEUKEMIA, JUVENILE MYELOMONOCYTIC, SOMATIC. Identifiers: Orphanet 86834, MedGen C0349639, MONDO:0011908, OMIM 607785, HP:0012209.

Submissions (7):

Ambry Genetics
Classification: Uncertain significance for Cardiovascular phenotype; Hereditary cancer-predisposing syndrome. Last evaluated: 2026-07-02. Review status: criteria provided, single submitter. Criteria: Ambry Variant Classification Scheme 2023. Collection method: clinical testing. Allele origin: germline.
Comment: The p.M1005T variant (also known as c.3014T>C), located in coding exon 23 of the NF1 gene, results from a T to C substitution at nucleotide position 3014. The methionine at codon 1005 is replaced by threonine, an amino acid with similar properties. This amino acid position is not well conserved in available vertebrate species. In addition, this alteration is predicted to be tolerated by in silico analysis. Based on the available evidence, the clinical significance of this variant remains unclear.

Dasa
Classification: Uncertain significance for neurofibromatosis type 1. Last evaluated: 2025-11-27. Review status: criteria provided, single submitter. Criteria: DASA Assertion Criteria. Collection method: clinical testing. Allele origin: germline.
Comment: NM_001042492.3(NF1):c.3014T>C (p.Met1005Thr) is a missense variant that results in the substitution of methionine with threonine. This variant is absent from population databases. The currently available literature and clinical evidence are not sufficient to establish a definitive association between this variant and the reported condition. Therefore, this variant is classified as a variant of uncertain significance.

Labcorp Genetics (formerly Invitae), Labcorp
Classification: Uncertain significance for Neurofibromatosis, type 1. Last evaluated: 2023-12-15. Review status: criteria provided, single submitter. Criteria: Invitae Variant Classification Sherloc (09022015). Collection method: clinical testing. Allele origin: germline.
Comment: This sequence change replaces methionine, which is neutral and non-polar, with threonine, which is neutral and polar, at codon 1005 of the NF1 protein (p.Met1005Thr). This variant is not present in population databases (gnomAD no frequency). This variant has not been reported in the literature in individuals affected with NF1-related conditions. ClinVar contains an entry for this variant (Variation ID: 484129). Advanced modeling of protein sequence and biophysical properties (such as structural, functional, and spatial information, amino acid conservation, physicochemical variation, residue mobility, and thermodynamic stability) performed at Invitae indicates that this missense variant is not expected to disrupt NF1 protein function with a negative predictive value of 95%. In summary, the available evidence is currently insufficient to determine the role of this variant in disease. Therefore, it has been classified as a Variant of Uncertain Significance.

Baylor Genetics
Classification: Uncertain significance for Juvenile myelomonocytic leukemia. Last evaluated: 2023-11-16. Review status: criteria provided, single submitter. Criteria: ACMG Guidelines, 2015. Collection method: clinical testing. Allele origin: unknown.

MGZ Medical Genetics Center
Classification: Uncertain significance for Neurofibromatosis, type 1. Last evaluated: 2022-05-04. Review status: criteria provided, single submitter. Criteria: ACMG Guidelines, 2015. Collection method: clinical testing. Allele origin: germline. Affected: yes. Observed: 1 variant allele.
Comment: ACMG criteria applied: PM2_SUP, PP2, BP4

Genome-Nilou Lab
Classification: Uncertain significance for Neurofibromatosis, type 1. Last evaluated: 2022-03-15. Review status: criteria provided, single submitter. Criteria: ACMG Guidelines, 2015. Collection method: clinical testing. Allele origin: germline. Affected: no.

PreventionGenetics, part of Exact Sciences
Classification: Uncertain significance for NF1-related condition. Last evaluated: 2023-11-28. Review status: no assertion criteria provided. Collection method: clinical testing. Allele origin: germline. Not counted in ClinVar's aggregate classification.
Comment: The NF1 c.3014T>C variant is predicted to result in the amino acid substitution p.Met1005Thr. To our knowledge, this variant has not been reported in the literature or in a large population database, indicating this variant is rare. This variant is interpreted as uncertain in ClinVar. At this time, the clinical significance of this variant is uncertain due to the absence of conclusive functional and genetic evidence.

NM_001042492.3(NF1):c.3014T>C (p.Met1005Thr)

Gene: NF1 (neurofibromin 1; plus strand). Cytogenetic location: 17q11.2.
Variant type: single nucleotide variant.
Coding change: c.3014T>C on transcript NM_001042492.3 (MANE Select); coding-DNA position 3014, T replaced by C.
Protein change: p.Met1005Thr; replaces methionine 1005 with threonine.
Molecular consequence: missense variant.
Genome position (GRCh38, 1-based): chr17:31,230,283, T>C. VCF-style: chr17-31230283-T-C. GRCh37 (hg19) VCF-style: chr17-29557301-T-C.
Other names: c.3014T>C, p.Met1005Thr (NM_000267.4); short protein forms M1005T.
Identifiers: ClinVar variation 484129 (VCV000484129.19), dbSNP rs1555614504, ClinGen allele CA398986583.